The following is an entry in ClinVar:

ClinVar aggregate classification (germline): Uncertain significance. Review status: criteria provided, multiple submitters, no conflicts (2 of 4 stars). 2 submissions from 2 submitters: Uncertain significance (2). Last evaluated 2025-07-03.

Conditions:
Ehlers-Danlos syndrome, type 4 (EDSVASC). Also called: Ehlers-Danlos syndrome vascular type; Ehlers Danlos syndrome, ecchymotic type; Ehlers Danlos syndrome, arterial type; Ehlers Danlos syndrome, Sack-Barabas type; Ehlers-Danlos Syndrome Type IV. Identifiers: Orphanet 286, MedGen C0268338, MONDO:0017314, OMIM 130050.
Familial thoracic aortic aneurysm and aortic dissection (TAAD). Also called: Thoracic aortic aneurysms and dissections. Identifiers: Orphanet 91387, MedGen C4707243, MONDO:0019625.

Allele frequency attached by ClinVar (database versions not stated): TOPMed below 0.00001; gnomAD 0.00001.
gnomAD v4.1: 1 of 1,613,316 alleles (0.000062%); highest among the groups gnomAD compares: Non-Finnish European, 0.000085%; no homozygotes.

Submissions (2):

Labcorp Genetics (formerly Invitae), Labcorp
Classification: Uncertain significance for Ehlers-Danlos syndrome, type 4. Last evaluated: 2025-07-03. Review status: criteria provided, single submitter. Criteria: Invitae Variant Classification Sherloc (09022015). Collection method: clinical testing. Allele origin: germline.
Comment: This sequence change replaces glutamic acid, which is acidic and polar, with glycine, which is neutral and non-polar, at codon 26 of the COL3A1 protein (p.Glu26Gly). This variant is not present in population databases (gnomAD no frequency). This variant has not been reported in the literature in individuals affected with COL3A1-related conditions. ClinVar contains an entry for this variant (Variation ID: 1760675). Experimental studies and prediction algorithms are not available or were not evaluated, and the functional significance of this variant is currently unknown. Algorithms developed to predict the effect of sequence changes on RNA splicing suggest that this variant may disrupt the consensus splice site. In summary, the available evidence is currently insufficient to determine the role of this variant in disease. Therefore, it has been classified as a Variant of Uncertain Significance.

Ambry Genetics
Classification: Uncertain significance for Familial thoracic aortic aneurysm and aortic dissection. Last evaluated: 2018-01-09. Review status: criteria provided, single submitter. Criteria: Ambry Variant Classification Scheme 2023. Collection method: clinical testing. Allele origin: germline.
Comment: The p.E26G variant (also known as c.77A>G), located in coding exon 1 of the COL3A1 gene, results from an A to G substitution at nucleotide position 77. The glutamic acid at codon 26 is replaced by glycine, an amino acid with similar properties. This amino acid position is poorly conserved in available vertebrate species. In addition, this alteration is predicted to be tolerated by in silico analysis. Since supporting evidence is limited at this time, the clinical significance of this alteration remains unclear.

NM_000090.4(COL3A1):c.77A>G (p.Glu26Gly)

Gene: COL3A1 (collagen type III alpha 1 chain; plus strand). Cytogenetic location: 2q32.2.
Variant type: single nucleotide variant.
Coding change: c.77A>G on transcript NM_000090.4 (MANE Select); coding-DNA position 77, A replaced by G.
Protein change: p.Glu26Gly; replaces glutamic acid 26 with glycine.
Molecular consequence: missense variant.
Genome position (GRCh38, 1-based): chr2:188,974,566, A>G. VCF-style: chr2-188974566-A-G. GRCh37 (hg19) VCF-style: chr2-189839292-A-G.
Other names: short protein forms E26G.
Identifiers: ClinVar variation 1760675 (VCV001760675.3), dbSNP rs1399291719, ClinGen allele CA349845501.